The following is an entry in ClinVar:

NM_001039.4(SCNN1G):c.913+1G>T

Gene: SCNN1G (sodium channel epithelial 1 subunit gamma; plus strand). Cytogenetic location: 16p12.2.
Variant type: single nucleotide variant.
Coding change: c.913+1G>T on transcript NM_001039.4 (MANE Select); the canonical splice donor site of the intron after coding-DNA position 913, G replaced by T.
Molecular consequence: splice donor variant.
Genome position (GRCh38, 1-based): chr16:23,194,275, G>T. VCF-style: chr16-23194275-G-T. GRCh37 (hg19) VCF-style: chr16-23205596-G-T.
Identifiers: ClinVar variation 2752048 (VCV002752048.3), dbSNP rs1959760028, ClinGen allele CA395096384.

ClinVar aggregate classification (germline): Likely pathogenic (1 of 4 stars; one submission).

Submission:

Labcorp Genetics (formerly Invitae), Labcorp
Classification: Likely pathogenic. Last evaluated: 2024-05-22. Review status: criteria provided, single submitter. Criteria: Invitae Variant Classification Sherloc (09022015). Collection method: clinical testing. Allele origin: germline.
Comment: This sequence change affects a donor splice site in intron 5 of the SCNN1G gene. It is expected to disrupt RNA splicing. Variants that disrupt the donor or acceptor splice site typically lead to a loss of protein function (PMID: 16199547), and loss-of-function variants in SCNN1G are known to be pathogenic (PMID: 8640238, 29371419). This variant is not present in population databases (gnomAD no frequency). This variant has not been reported in the literature in individuals affected with SCNN1G-related conditions. Algorithms developed to predict the effect of sequence changes on RNA splicing suggest that this variant may disrupt the consensus splice site. In summary, the currently available evidence indicates that the variant is pathogenic, but additional data are needed to prove that conclusively. Therefore, this variant has been classified as Likely Pathogenic.

Literature cited by the submitters: PubMed 16199547; PubMed 8640238; PubMed 29371419.